The following is an entry in ClinVar:

NM_001999.4(FBN2):c.738G>A (p.Ala246=)

Gene: FBN2 (fibrillin 2; minus strand). Cytogenetic location: 5q23.3.
Variant type: single nucleotide variant.
Coding change: c.738G>A on transcript NM_001999.4 (MANE Select); coding-DNA position 738, G replaced by A.
Protein change: p.Ala246=; no amino-acid change (alanine 246 retained).
Molecular consequence: synonymous variant.
Genome position (GRCh38, 1-based): chr5:128,464,812, C>T on the plus strand (G>A on the coding strand, the complement: FBN2 is on the minus strand). VCF-style: chr5-128464812-C-T. GRCh37 (hg19) VCF-style: chr5-127800505-C-T.
Other names: p.A246A:GCG>GCA; p.Ala246=.
Identifiers: ClinVar variation 137359 (VCV000137359.70), dbSNP rs150087436, ClinGen allele CA290908.
Genomic context (GRCh38, chr5:128,464,812, plus strand): 5'-GATGAAACCCCGTCGGCAGGGCTGAGGCTGGGCTGGACACATCTCACAGGGATGGCCCCA[C>T]GCCCGTCCAATGGTGGCACAGCACAGAGTCTTCGTGCAGACAATGCCTGTCAGCTGCCCT-3'
Protein context (NP_001990.2, residues 236-256): KTLCCATIGR[Ala246=]WGHPCEMCPA

ClinVar aggregate classification (germline): Benign/Likely benign. Review status: criteria provided, multiple submitters, no conflicts (2 of 4 stars). 18 submissions from 17 submitters: Benign (9); Likely benign (8). 1 of the submissions does not count toward it. Last evaluated 2026-07-01.

Conditions:
Connective tissue disorder. Also called: Connective tissue disease. Identifiers: MedGen C0009782, MONDO:0003900.
Ehlers-Danlos syndrome (EDS). Identifiers: Orphanet 98249, MedGen C0013720, MONDO:0020066.
Familial thoracic aortic aneurysm and aortic dissection (TAAD). Also called: Thoracic aortic aneurysms and dissections. Identifiers: Orphanet 91387, MedGen C4707243, MONDO:0019625.
Congenital contractural arachnodactyly (CCA). Also called: BEALS SYNDROME; Beals-Hecht syndrome; Arthrogryposis, distal, type 9. Identifiers: Orphanet 115, MedGen C0220668, MONDO:0007363, OMIM 121050.

Allele frequency attached by ClinVar (database versions not stated): 1000 Genomes Project 30x 0.00078; 1000 Genomes Project 0.00080; ExAC 0.00154; gnomAD exomes 0.00165 and 0.00275; TOPMed 0.00182; gnomAD 0.00196 and 0.00200; ESP Exome Variant Server 0.00208.
gnomAD v4.1: 4,265 of 1,614,216 alleles (0.26%); highest among the groups gnomAD compares: Non-Finnish European, 0.34%; 12 homozygotes.

Submissions (18):

CeGaT Center for Human Genetics Tuebingen
Classification: Likely benign. Last evaluated: 2026-07-01. Review status: criteria provided, single submitter. Criteria: CeGaT Center For Human Genetics Tuebingen Variant Classification Criteria Version 2. Collection method: clinical testing. Allele origin: germline. Affected: yes. Observed: 14 variant alleles.
Comment: FBN2: BP4, BP7

Labcorp Genetics (formerly Invitae), Labcorp
Classification: Benign for Congenital contractural arachnodactyly. Last evaluated: 2026-02-01. Review status: criteria provided, single submitter. Criteria: Invitae Variant Classification Sherloc (09022015). Collection method: clinical testing. Allele origin: germline.

ARUP Laboratories, Molecular Genetics and Genomics, ARUP Laboratories
Classification: Benign. Last evaluated: 2025-07-08. Review status: criteria provided, single submitter. Criteria: ARUP Molecular Germline Variant Investigation Process 2024. Collection method: clinical testing. Allele origin: germline.

Blueprint Genetics
Classification: Likely benign. Last evaluated: 2024-10-16. Review status: criteria provided, single submitter. Criteria: ACMG Guidelines, 2015. Collection method: clinical testing. Allele origin: germline.

Mayo Clinic Laboratories, Mayo Clinic
Classification: Benign. Last evaluated: 2023-11-07. Review status: criteria provided, single submitter. Criteria: ACMG Guidelines, 2015. Collection method: clinical testing. Allele origin: germline. Observed: 8 variant alleles.
Comment: BS1, BS2, BP4, BP7

Women's Health and Genetics/Laboratory Corporation of America, LabCorp
Classification: Benign. Last evaluated: 2023-07-21. Review status: criteria provided, single submitter. Criteria: LabCorp Variant Classification Summary - May 2015. Collection method: clinical testing. Allele origin: germline.

Genome Diagnostics Laboratory, The Hospital for Sick Children
Classification: Benign for Ehlers-Danlos syndrome. Last evaluated: 2021-08-04. Review status: criteria provided, single submitter. Criteria: ACMG Guidelines, 2015. Collection method: clinical testing. Allele origin: germline.

Genome Diagnostics Laboratory, The Hospital for Sick Children
Classification: Benign for Connective tissue disorder. Last evaluated: 2020-01-01. Review status: criteria provided, single submitter. Criteria: ACMG Guidelines, 2015. Collection method: clinical testing. Allele origin: germline.

Center for Human Genetics, Inc
Classification: Likely benign for Connective tissue disorder. Last evaluated: 2018-06-01. Review status: criteria provided, single submitter. Criteria: ACMG Guidelines, 2015. Collection method: clinical testing. Allele origin: germline. Affected: yes.

Illumina Laboratory Services, Illumina
Classification: Benign for Congenital contractural arachnodactyly. Last evaluated: 2018-01-13. Review status: criteria provided, single submitter. Criteria: ICSL Variant Classification Criteria 13 December 2019. Collection method: clinical testing. Allele origin: germline.
Comment: This variant was observed in the ICSL laboratory as part of a predisposition screen in an ostensibly healthy population. It had not been previously curated by ICSL or reported in the Human Gene Mutation Database (HGMD: prior to June 1st, 2018), and was therefore a candidate for classification through an automated scoring system. Utilizing variant allele frequency, disease prevalence and penetrance estimates, and inheritance mode, an automated score was calculated to assess if this variant is too frequent to cause the disease. Based on the score and internal cut-off values, a variant classified as benign is not then subjected to further curation. The score for this variant resulted in a classification of benign for this disease.

Clinical Genetics DNA and cytogenetics Diagnostics Lab, Erasmus MC, Erasmus Medical Center
Classification: Likely benign for Congenital contractural arachnodactyly. Last evaluated: 2017-06-28. Review status: criteria provided, single submitter. Criteria: ACGS Guidelines, 2013. Collection method: clinical testing. Allele origin: germline. Affected: yes. Study: VKGL Data-share Consensus.

Genome Diagnostics Laboratory, University Medical Center Utrecht
Classification: Benign for Congenital contractural arachnodactyly. Last evaluated: 2017-06-02. Review status: criteria provided, single submitter. Criteria: ACGS Guidelines, 2013. Collection method: clinical testing. Allele origin: germline. Affected: yes. Study: VKGL Data-share Consensus.

Eurofins Ntd Llc (ga)
Classification: Likely benign. Last evaluated: 2016-11-03. Review status: criteria provided, single submitter. Criteria: EGL Classification Definitions 2015. Collection method: clinical testing. Allele origin: germline. Observed: 2 variant alleles, 2 heterozygotes.

Ambry Genetics
Classification: Likely benign for Familial thoracic aortic aneurysm and aortic dissection. Last evaluated: 2016-03-17. Review status: criteria provided, single submitter. Criteria: Ambry Variant Classification Scheme 2023. Collection method: clinical testing. Allele origin: germline.

GeneDx
Classification: Benign. Last evaluated: 2013-06-10. Review status: criteria provided, single submitter. Criteria: GeneDx Variant Classification (06012015). Collection method: clinical testing. Allele origin: germline. Affected: yes.
Comment: This variant is considered likely benign or benign based on one or more of the following criteria: it is a conservative change, it occurs at a poorly conserved position in the protein, it is predicted to be benign by multiple in silico algorithms, and/or has population frequency not consistent with disease.

Breakthrough Genomics
Classification: Likely benign. Review status: criteria provided, single submitter. Criteria: ACMG Guidelines, 2015. Collection method: not provided. Allele origin: germline. Inheritance: Autosomal dominant inheritance. Affected: yes.

PreventionGenetics, part of Exact Sciences
Classification: Likely benign. Review status: criteria provided, single submitter. Criteria: ACMG Guidelines, 2015. Collection method: clinical testing. Allele origin: germline.

Laboratory of Diagnostic Genome Analysis, Leiden University Medical Center (LUMC)
Classification: Likely benign. Review status: no assertion criteria provided. Collection method: clinical testing. Allele origin: germline. Affected: yes. Study: VKGL Data-share Consensus. Not counted in ClinVar's aggregate classification.